The following is an entry in ClinVar:

ClinVar aggregate classification (germline): Uncertain significance. Review status: criteria provided, multiple submitters, no conflicts (2 of 4 stars). 2 submissions from 2 submitters: Uncertain significance (2). Last evaluated 2022-11-09.

Conditions:
Primary ciliary dyskinesia. Also called: Ciliary dyskinesia. Identifiers: Orphanet 244, MedGen C0008780, MONDO:0016575, HP:0012265.

Submissions (2):

GeneDx
Classification: Uncertain significance. Last evaluated: 2022-11-09. Review status: criteria provided, single submitter. Criteria: GeneDx Variant Classification Process June 2021. Collection method: clinical testing. Allele origin: germline. Affected: yes.
Comment: Not observed at significant frequency in large population cohorts (gnomAD); In silico analysis supports a deleterious effect on splicing; Has not been previously published as pathogenic or benign to our knowledge

Labcorp Genetics (formerly Invitae), Labcorp
Classification: Uncertain significance for Primary ciliary dyskinesia. Last evaluated: 2022-05-31. Review status: criteria provided, single submitter. Criteria: Invitae Variant Classification Sherloc (09022015). Collection method: clinical testing. Allele origin: germline.
Comment: This variant is not present in population databases (gnomAD no frequency). This sequence change falls in intron 2 of the CCDC40 gene. It does not directly change the encoded amino acid sequence of the CCDC40 protein. It affects a nucleotide within the consensus splice site. This variant has been observed in individual(s) with clinical features of primary ciliary dyskinesia (Invitae). In summary, the available evidence is currently insufficient to determine the role of this variant in disease. Therefore, it has been classified as a Variant of Uncertain Significance. Variants that disrupt the consensus splice site are a relatively common cause of aberrant splicing (PMID: 17576681, 9536098). Algorithms developed to predict the effect of sequence changes on RNA splicing suggest that this variant may disrupt the consensus splice site.

Literature cited by the submitters: PubMed 17576681 (cited by Labcorp Genetics (formerly Invitae), Labcorp); PubMed 9536098 (cited by Labcorp Genetics (formerly Invitae), Labcorp).

NM_017950.4(CCDC40):c.93+4A>G

Gene: CCDC40 (coiled-coil domain 40 molecular ruler complex subunit; plus strand). Cytogenetic location: 17q25.3.
Variant type: single nucleotide variant.
Coding change: c.93+4A>G on transcript NM_017950.4 (MANE Select); 4 bases into the intron after coding-DNA position 93, A replaced by G.
Molecular consequence: intron variant.
Genome position (GRCh38, 1-based): chr17:80,038,190, A>G. VCF-style: chr17-80038190-A-G. GRCh37 (hg19) VCF-style: chr17-78011989-A-G.
Other names: c.93+4A>G (NM_001243342.2, NM_001330508.2).
Identifiers: ClinVar variation 2117958 (VCV002117958.5), dbSNP rs2510282415, ClinGen allele CA2580095260.